The following is an entry in ClinVar:

NM_000350.3(ABCA4):c.2347C>T (p.Gln783Ter)

Gene: ABCA4 (ATP binding cassette subfamily A member 4; minus strand). Cytogenetic location: 1p22.1.
Variant type: single nucleotide variant.
Coding change: c.2347C>T on transcript NM_000350.3 (MANE Select); coding-DNA position 2347, C replaced by T.
Protein change: p.Gln783Ter; replaces glutamine 783 with a stop codon.
Molecular consequence: nonsense.
Genome position (GRCh38, 1-based): chr1:94,056,636, G>A on the plus strand (C>T on the coding strand, the complement: ABCA4 is on the minus strand). VCF-style: chr1-94056636-G-A. GRCh37 (hg19) VCF-style: chr1-94522192-G-A.
Other names: short protein forms Q783*.
Identifiers: ClinVar variation 1678570 (VCV001678570.2), dbSNP rs2101069632, ClinGen allele CA341277728.

ClinVar aggregate classification (germline): Pathogenic (1 of 4 stars; one submission).

Conditions:
Severe early-childhood-onset retinal dystrophy (STGD1). Also called: Stargardt macular dystrophy; Juvenile onset macular degeneration; Stargardt disease 1; MACULAR DYSTROPHY WITH FLECKS, TYPE 1; STGD. Identifiers: Orphanet 364055, Orphanet 827, MedGen C1855465, MeSH D000080362, MONDO:0009549, OMIM 248200.

Submission:

Molecular Genetics, Royal Melbourne Hospital
Classification: Pathogenic for Severe early-childhood-onset retinal dystrophy. Last evaluated: 2023-03-30. Review status: criteria provided, single submitter. Criteria: ACMG Guidelines, 2015. Collection method: clinical testing. Allele origin: germline. Affected: yes.
Comment: This sequence change creates a premature termination codon at position 783 in exon 15 (of 50) of ABCA4 (p.Gln783*). It is expected to result in an absent or disrupted protein product, in a gene where loss of function is a well-established mechanism of disease (PVS1). The variant is absent in a large population cohort (gnomAD v2.1 - PM2), and has been reported in a Stargardt disease case with a second pathogenic allele, phase unknown (DOI 10.1101/817767 - PM3_Supporting). Based on the classification scheme RMH ACMG Guidelines v1.2.1, this variant is classified as PATHOGENIC. Following criteria are met: PVS1, PM2, PM3_Supporting.